The following is an entry in ClinVar:

NM_182961.4(SYNE1):c.21986T>C (p.Leu7329Ser)

Gene: SYNE1 (spectrin repeat containing nuclear envelope protein 1; minus strand). Cytogenetic location: 6q25.2.
Variant type: single nucleotide variant.
Coding change: c.21986T>C on transcript NM_182961.4 (MANE Select); coding-DNA position 21986, T replaced by C.
Protein change: p.Leu7329Ser; replaces leucine 7329 with serine.
Molecular consequence: missense variant.
Genome position (GRCh38, 1-based): chr6:152,219,061, A>G on the plus strand (T>C on the coding strand, the complement: SYNE1 is on the minus strand). VCF-style: chr6-152219061-A-G. GRCh37 (hg19) VCF-style: chr6-152540196-A-G.
Other names: c.21773T>C, p.Leu7258Ser (NM_033071.5); short protein forms L7258S, L7329S.
Identifiers: ClinVar variation 935046 (VCV000935046.7), dbSNP rs2079440770, ClinGen allele CA366103255.
Genomic context (GRCh38, chr6:152,219,061, plus strand): 5'-ACCTGTAATGAAGTCTGCTGTTTGCAGAGAGCTTGCTCCAGGGCACACAAGTGTTGACTC[A>G]AAGAGAGTTGATCCGATTGAATAGCTGATGCTGCGGAAGCATCCACTTGTTGCTTCAGTT-3'
Protein context (NP_892006.3, residues 7319-7339): ASAIQSDQLS[Leu7329Ser]SQHLCALEQA

ClinVar aggregate classification (germline): Uncertain significance (1 of 4 stars; one submission).

Conditions:
Emery-Dreifuss muscular dystrophy 4, autosomal dominant (EDMD4). Also called: EMERY-DREIFUSS MUSCULAR DYSTROPHY 4 WITH VARIABLE FEATURES. Identifiers: Orphanet 261, MedGen C2751807, MONDO:0013071, OMIM 612998.
Autosomal recessive ataxia, Beauce type. Also called: Spinocerebellar ataxia, autosomal recessive 8; ATAXIA, RECESSIVE, OF BEAUCE; SYNE1-Related Autosomal Recessive Cerebellar Ataxia; SYNE1 Deficiency. Identifiers: Orphanet 88644, MedGen C1853116, MONDO:0012549, OMIM 610743.

Submission:

Labcorp Genetics (formerly Invitae), Labcorp
Classification: Uncertain significance for Emery-Dreifuss muscular dystrophy 4, autosomal dominant; Autosomal recessive ataxia, Beauce type. Last evaluated: 2022-02-24. Review status: criteria provided, single submitter. Criteria: Invitae Variant Classification Sherloc (09022015). Collection method: clinical testing. Allele origin: germline.
Comment: In summary, the available evidence is currently insufficient to determine the role of this variant in disease. Therefore, it has been classified as a Variant of Uncertain Significance. Algorithms developed to predict the effect of missense changes on protein structure and function (SIFT, PolyPhen-2, Align-GVGD) all suggest that this variant is likely to be disruptive. ClinVar contains an entry for this variant (Variation ID: 935046). This variant has not been reported in the literature in individuals affected with SYNE1-related conditions. This variant is not present in population databases (gnomAD no frequency). This sequence change replaces leucine, which is neutral and non-polar, with serine, which is neutral and polar, at codon 7258 of the SYNE1 protein (p.Leu7258Ser).